The following is an entry in ClinVar:

ClinVar aggregate classification (germline): Uncertain significance. Review status: criteria provided, multiple submitters, no conflicts (2 of 4 stars). 3 submissions from 3 submitters: Uncertain significance (3). Last evaluated 2025-11-21.

Conditions:
Familial thoracic aortic aneurysm and aortic dissection (TAAD). Also called: Thoracic aortic aneurysms and dissections. Identifiers: Orphanet 91387, MedGen C4707243, MONDO:0019625.
Adams-Oliver syndrome 5 (AOS5). Identifiers: Orphanet 974, MedGen C4014970, MONDO:0014459, OMIM 616028.

Submissions (3):

Labcorp Genetics (formerly Invitae), Labcorp
Classification: Uncertain significance for Adams-Oliver syndrome 5. Last evaluated: 2025-11-21. Review status: criteria provided, single submitter. Criteria: Invitae Variant Classification Sherloc (09022015). Collection method: clinical testing. Allele origin: germline.
Comment: This sequence change replaces serine, which is neutral and polar, with threonine, which is neutral and polar, at codon 2439 of the NOTCH1 protein (p.Ser2439Thr). This variant is not present in population databases (gnomAD no frequency). This variant has not been reported in the literature in individuals affected with NOTCH1-related conditions. ClinVar contains an entry for this variant (Variation ID: 429475). Invitae Evidence Modeling of protein sequence and biophysical properties (such as structural, functional, and spatial information, amino acid conservation, physicochemical variation, residue mobility, and thermodynamic stability) indicates that this missense variant is not expected to disrupt NOTCH1 protein function with a negative predictive value of 80%. In summary, the available evidence is currently insufficient to determine the role of this variant in disease. Therefore, it has been classified as a Variant of Uncertain Significance.

Ambry Genetics
Classification: Uncertain significance for Familial thoracic aortic aneurysm and aortic dissection. Last evaluated: 2023-12-22. Review status: criteria provided, single submitter. Criteria: Ambry Variant Classification Scheme 2023. Collection method: clinical testing. Allele origin: germline.
Comment: The p.S2439T variant (also known as c.7316G>C), located in coding exon 34 of the NOTCH1 gene, results from a G to C substitution at nucleotide position 7316. The serine at codon 2439 is replaced by threonine, an amino acid with similar properties. This amino acid position is conserved. In addition, this alteration is predicted to be tolerated by in silico analysis. Since supporting evidence is limited at this time, the clinical significance of this alteration remains unclear.

GeneDx
Classification: Uncertain significance. Last evaluated: 2021-09-09. Review status: criteria provided, single submitter. Criteria: GeneDx Variant Classification Process June 2021. Collection method: clinical testing. Allele origin: germline. Affected: yes.
Comment: Has not been previously published as pathogenic or benign to our knowledge; Not observed at significant frequency in large population cohorts (Lek et al., 2016); In silico analysis supports that this missense variant does not alter protein structure/function

NM_017617.5(NOTCH1):c.7316G>C (p.Ser2439Thr)

Gene: NOTCH1 (notch receptor 1; minus strand). Cytogenetic location: 9q34.3.
Variant type: single nucleotide variant.
Coding change: c.7316G>C on transcript NM_017617.5 (MANE Select); coding-DNA position 7316, G replaced by C.
Protein change: p.Ser2439Thr; replaces serine 2439 with threonine.
Molecular consequence: missense variant.
Genome position (GRCh38, 1-based): chr9:136,496,423, C>G on the plus strand (G>C on the coding strand, the complement: NOTCH1 is on the minus strand). VCF-style: chr9-136496423-C-G. GRCh37 (hg19) VCF-style: chr9-139390875-C-G.
Other names: c.7316G>C, p.Ser2439Thr (LRG_1122t1); short protein forms S2439T.
Identifiers: ClinVar variation 429475 (VCV000429475.6), dbSNP rs1131691402, ClinGen allele CA375627049.